The following is an entry in ClinVar:

NM_001009944.3(PKD1):c.4222_4232dup (p.Tyr1412fs)

Gene: PKD1 (polycystin 1, transient receptor potential channel interacting; minus strand). Cytogenetic location: 16p13.3.
Variant type: Duplication.
Coding change: c.4222_4232dup on transcript NM_001009944.3 (MANE Select); coding-DNA positions 4222 to 4232, 11 bases duplicated (TTCCCCTACCG).
Protein change: p.Tyr1412fs; shifts the reading frame from tyrosine 1412.
Molecular consequence: frameshift variant.
Genome position (GRCh38, 1-based): chr16:2,110,935-2,110,945, CGGTAGGGGAA duplicated on the plus strand (TTCCCCTACCG on the coding strand, the reverse complement: PKD1 is on the minus strand); duplicating any 11 consecutive bases within chr16:2,110,935-2,110,948 gives the same sequence; the c. name uses the placement nearest the transcript's 3' end. VCF-style (leftmost placement, unchanged base first): chr16-2110934-G-GCGGTAGGGGAA. GRCh37 (hg19) VCF-style: chr16-2160935-G-GCGGTAGGGGAA.
Other names: c.4222_4232dup, p.Tyr1412fs (NM_000296.4); c.4232_4233insTTCCCCTACCG (NM_001009944.3); short protein forms Y1412fs.
Identifiers: ClinVar variation 873335 (VCV000873335.1), dbSNP rs2092485909, ClinGen allele CA1139664346.

ClinVar aggregate classification (germline): Pathogenic (1 of 4 stars; one submission).

Conditions:
Polycystic kidney disease, adult type (PKD1). Also called: POLYCYSTIC KIDNEY DISEASE 1 WITH OR WITHOUT POLYCYSTIC LIVER DISEASE; Polycystic Kidney Disease 1, Autosomal Dominant; Polycystic kidney disease 1; Polycystic kidney disease 1, severe; Polycystic Kidney, Autosomal Dominant; POLYCYSTIC KIDNEY DISEASE, ADULT, TYPE I. Identifiers: MedGen C3149841, MONDO:0008263, OMIM 173900.

Submission:

Cavalleri Lab, Royal College of Surgeons in Ireland
Classification: Pathogenic for Polycystic kidney disease, adult type. Last evaluated: 2020-02-05. Review status: criteria provided, single submitter. Criteria: ACMG Guidelines, 2015. Collection method: research. Allele origin: unknown. Inheritance: Autosomal dominant inheritance. Affected: yes.
Comment: PVS1, PM2, PP4